The following is an entry in ClinVar:

ClinVar aggregate classification (germline): Uncertain significance. Review status: criteria provided, multiple submitters, no conflicts (2 of 4 stars). 2 submissions from 2 submitters: Uncertain significance (2). Last evaluated 2025-07-31.

Conditions:
Myopathy, proximal, and ophthalmoplegia (CMYO6). Also called: INCLUSION BODY MYOPATHY 3, AUTOSOMAL DOMINANT; CONGENITAL MYOPATHY 6 WITH OPHTHALMOPLEGIA; MYOPATHY WITH CONGENITAL JOINT CONTRACTURES, OPHTHALMOPLEGIA, AND RIMMED VACUOLES. Identifiers: Orphanet 363677, Orphanet 79091, MedGen C1854106, MONDO:0011577, OMIM 605637.

gnomAD v4.1: 1 of 1,614,152 alleles (0.000062%); highest among the groups gnomAD compares: Non-Finnish European, 0.000085%; no homozygotes.

Submissions (2):

GeneDx
Classification: Uncertain significance. Last evaluated: 2025-07-31. Review status: criteria provided, single submitter. Criteria: GeneDx Variant Classification Process June 2021. Collection method: clinical testing. Allele origin: germline. Affected: yes.
Comment: Not observed at significant frequency in large population cohorts (gnomAD); In silico analysis supports that this missense variant has a deleterious effect on protein structure/function; Has not been previously published as pathogenic or benign to our knowledge

Labcorp Genetics (formerly Invitae), Labcorp
Classification: Uncertain significance for Inclusion body myopathy 3. Last evaluated: 2019-11-20. Review status: criteria provided, single submitter. Criteria: Invitae Variant Classification Sherloc (09022015). Collection method: clinical testing. Allele origin: germline.
Comment: This sequence change replaces arginine with methionine at codon 1283 of the MYH2 protein (p.Arg1283Met). The arginine residue is highly conserved and there is a moderate physicochemical difference between arginine and methionine. This variant is not present in population databases (ExAC no frequency). This variant has not been reported in the literature in individuals with MYH2-related conditions. Algorithms developed to predict the effect of missense changes on protein structure and function (SIFT, PolyPhen-2, Align-GVGD) all suggest that this variant is likely to be disruptive, but these predictions have not been confirmed by published functional studies and their clinical significance is uncertain. In summary, the available evidence is currently insufficient to determine the role of this variant in disease. Therefore, it has been classified as a Variant of Uncertain Significance.

NM_017534.6(MYH2):c.3848G>T (p.Arg1283Met)

Genes: MYHAS (myosin heavy chain gene cluster antisense RNA; plus strand), MYH2 (myosin heavy chain 2; minus strand). Cytogenetic location: 17p13.1.
Variant type: single nucleotide variant.
Coding change: c.3848G>T on transcript NM_017534.6 (MANE Select); coding-DNA position 3848, G replaced by T.
Protein change: p.Arg1283Met; replaces arginine 1283 with methionine.
Molecular consequence: missense variant.
Genome position (GRCh38, 1-based): chr17:10,527,771, C>A on the plus strand (G>T on the coding strand, the complement: MYH2 is on the minus strand). VCF-style: chr17-10527771-C-A. GRCh37 (hg19) VCF-style: chr17-10431088-C-A.
Other names: c.3848G>T, p.Arg1283Met (NM_001100112.2); short protein forms R1283M.
Identifiers: ClinVar variation 848542 (VCV000848542.2), dbSNP rs2073371857, ClinGen allele CA398131489.